The following is an entry in ClinVar:

NM_000261.2(MYOC):c.1264C>T (p.Arg422Cys)

Gene: MYOC (myocilin; minus strand). Cytogenetic location: 1q24.3.
Variant type: single nucleotide variant.
Coding change: c.1264C>T on transcript NM_000261.2 (MANE Select); coding-DNA position 1264, C replaced by T.
Protein change: p.Arg422Cys; replaces arginine 422 with cysteine.
Molecular consequence: missense variant.
Genome position (GRCh38, 1-based): chr1:171,636,176, G>A on the plus strand (C>T on the coding strand, the complement: MYOC is on the minus strand). VCF-style: chr1-171636176-G-A. GRCh37 (hg19) VCF-style: chr1-171605316-G-A.
Other names: NM_000261.2:c.1264C>T; short protein forms R422C.
Identifiers: ClinVar variation 1686796 (VCV001686796.6), dbSNP rs751113505, ClinGen allele CA1244053.

ClinVar aggregate classification (germline): Uncertain significance. Review status: reviewed by expert panel (3 of 4 stars). 2 submissions from 2 submitters: Uncertain significance (1). 1 of the submissions does not count toward it. Last evaluated 2026-01-20.

Conditions:
Open-angle glaucoma. Identifiers: MedGen C0017612, MONDO:0005338, HP:0012108.

Allele frequency attached by ClinVar (database versions not stated): gnomAD 0.00002 and 0.00003; gnomAD exomes 0.00002 and 0.00003; TOPMed 0.00003; ExAC 0.00005.

Submissions (2):

ClinGen Glaucoma Variant Curation Expert Panel
Classification: Uncertain significance for Open-angle glaucoma. Last evaluated: 2026-01-20. Review status: reviewed by expert panel. Criteria: ClinGen Glaucoma ACMG Specifications V2.0.0 Approved. Collection method: curation. Allele origin: germline. Inheritance: Autosomal dominant inheritance.
Comment: The c.1264C>T variant in MYOC is a missense variant predicted to cause substitution of Arginine by Cysteine at amino acid 422 (p.Arg422Cys). The highest minor allele frequency of this variant was in the African/African American genetic ancestry group of gnomAD (v4.1.0) = 0.0000668 (5 alleles out of 74,896), which met the ≤ 0.0001 threshold set for PM2_Supporting in a genetic ancestry group of at least 10,000 alleles. The REVEL score = 0.646, which was within the 0.644-0.772 range for PP3, predicting a damaging effect on MYOC function.The Arg422Cys protein had similar stability levels compared to wild type myocilin protein in this study (PMID: 25524706). The assay met the OddsPath threshold for BS3_Moderate (< 0.23), indicating that this variant did not impact protein function. This protein has also been assessed for solubility in another study (PMID: 10545602), however, the results were indeterminate. This variant has not yet been identified in a proband with juvenile or primary open angle glaucoma, only in a participant of the control cohort. In summary, this variant met the criteria to receive a score of 0 and to be classified as a variant of uncertain significance (uncertain significance classification range -1 to 5, adapted from PMID: 32720330) for primary open angle glaucoma based on the ACMG/AMP criteria met, as specified by the ClinGen Glaucoma VCEP (v2.0.0, 5 Dec 2024): BS3_Moderate, PP3, PM2_Supporting

Labcorp Genetics (formerly Invitae), Labcorp
Classification: Uncertain significance. Last evaluated: 2024-08-14. Review status: criteria provided, single submitter. Criteria: Invitae Variant Classification Sherloc (09022015). Collection method: clinical testing. Allele origin: germline. Not counted in ClinVar's aggregate classification.
Comment: This sequence change replaces arginine, which is basic and polar, with cysteine, which is neutral and slightly polar, at codon 422 of the MYOC protein (p.Arg422Cys). This variant is present in population databases (rs751113505, gnomAD 0.004%). This variant has not been reported in the literature in individuals affected with MYOC-related conditions. ClinVar contains an entry for this variant (Variation ID: 1686796). An algorithm developed to predict the effect of missense changes on protein structure and function (PolyPhen-2) suggests that this variant is likely to be disruptive. In summary, the available evidence is currently insufficient to determine the role of this variant in disease. Therefore, it has been classified as a Variant of Uncertain Significance.

Literature cited by the submitters: PubMed 10545602 (cited by ClinGen Glaucoma Variant Curation Expert Panel); PubMed 25524706 (cited by ClinGen Glaucoma Variant Curation Expert Panel).